The following is an entry in ClinVar:

ClinVar aggregate classification (germline): Uncertain significance. Review status: criteria provided, multiple submitters, no conflicts (2 of 4 stars). 3 submissions from 3 submitters: Uncertain significance (3). Last evaluated 2025-10-29.

Conditions:
Inborn genetic diseases. Identifiers: MedGen C0950123, MeSH D030342.

Allele frequency attached by ClinVar (database versions not stated): gnomAD exomes below 0.00001 and 0.00001; TOPMed 0.00002.
gnomAD v4.1: 20 of 1,613,722 alleles (0.0012%); highest among the groups gnomAD compares: Admixed American, 0.022%; no homozygotes.

Submissions (3):

Ambry Genetics
Classification: Uncertain significance for Inborn genetic diseases. Last evaluated: 2025-10-29. Review status: criteria provided, single submitter. Criteria: Ambry Variant Classification Scheme 2023. Collection method: clinical testing. Allele origin: germline.

Labcorp Genetics (formerly Invitae), Labcorp
Classification: Uncertain significance. Last evaluated: 2025-08-29. Review status: criteria provided, single submitter. Criteria: Invitae Variant Classification Sherloc (09022015). Collection method: clinical testing. Allele origin: germline.
Comment: This sequence change replaces glycine, which is neutral and non-polar, with alanine, which is neutral and non-polar, at codon 323 of the NEDD4L protein (p.Gly323Ala). This variant is present in population databases (no rsID available, gnomAD no frequency). This variant has not been reported in the literature in individuals affected with NEDD4L-related conditions. ClinVar contains an entry for this variant (Variation ID: 663568). An algorithm developed to predict the effect of missense changes on protein structure and function (PolyPhen-2) suggests that this variant is likely to be tolerated. In summary, the available evidence is currently insufficient to determine the role of this variant in disease. Therefore, it has been classified as a Variant of Uncertain Significance.

Women's Health and Genetics/Laboratory Corporation of America, LabCorp
Classification: Uncertain significance. Last evaluated: 2019-10-25. Review status: criteria provided, single submitter. Criteria: LabCorp Variant Classification Summary - May 2015. Collection method: clinical testing. Allele origin: germline.
Comment: Variant summary: NEDD4L c.968G>C (p.Gly323Ala) results in a non-conservative amino acid change in the encoded protein sequence. Three of five in-silico tools predict a benign effect of the variant on protein function. The variant allele was found at a frequency of 4e-06 in 249230 control chromosomes (gnomAD). The available data on variant occurrences in the general population are insufficient to allow any conclusion about variant significance. To our knowledge, no occurrence of c.968G>C in individuals affected with Periventricular nodular heterotopia 7 and no experimental evidence demonstrating its impact on protein function have been reported. A ClinVar submission (evaluation after 2014) cites the variant as uncertain significance. Based on the evidence outlined above, the variant was classified as uncertain significance.

NM_001144967.3(NEDD4L):c.968G>C (p.Gly323Ala)

Gene: NEDD4L (NEDD4 like E3 ubiquitin protein ligase; plus strand). Cytogenetic location: 18q21.31.
Variant type: single nucleotide variant.
Coding change: c.968G>C on transcript NM_001144967.3 (MANE Select); coding-DNA position 968, G replaced by C.
Protein change: p.Gly323Ala; replaces glycine 323 with alanine.
Molecular consequence: missense variant.
Genome position (GRCh38, 1-based): chr18:58,330,892, G>C. VCF-style: chr18-58330892-G-C. GRCh37 (hg19) VCF-style: chr18-55998124-G-C.
Other names: c.605G>C, p.Gly202Ala (NM_001144964.1, NM_001144965.2, NM_001144966.3 and 2 more transcripts); c.944G>C, p.Gly315Ala (NM_001144968.2, NM_001144969.2); c.968G>C, p.Gly323Ala (NM_001243960.2, NM_015277.6); short protein forms G315A, G202A, G323A.
Identifiers: ClinVar variation 663568 (VCV000663568.12), dbSNP rs991844120, ClinGen allele CA300915106.